The following is an entry in ClinVar:

ClinVar aggregate classification (germline): Uncertain significance (1 of 4 stars; one submission).

Submission:

Laboratory for Molecular Medicine, Mass General Brigham Personalized Medicine
Classification: Uncertain significance. Last evaluated: 2012-04-06. Review status: criteria provided, single submitter. Criteria: LMM Criteria. Collection method: clinical testing. Allele origin: germline. Observed: 1 variant allele.
Comment: The Asp28590His variant in TTN has not been reported in the literature nor previ ously identified by our laboratory. Computational analyses (biochemical amino ac id properties, conservation, AlignGVGD, and SIFT) do not provide strong support for or against an impact to the protein. Additional information is needed to ful ly assess the clinical significance of the Asp28590His variant.

NM_001267550.2(TTN):c.93472G>C (p.Asp31158His)

Genes: TTN (titin; minus strand), TTN-AS1 (TTN antisense RNA 1; plus strand). Cytogenetic location: 2q31.2.
Variant type: single nucleotide variant.
Coding change: c.93472G>C on transcript NM_001267550.2 (MANE Select); coding-DNA position 93472, G replaced by C.
Protein change: p.Asp31158His; replaces aspartic acid 31158 with histidine.
Molecular consequence: missense variant.
Genome position (GRCh38, 1-based): chr2:178,548,154, C>G on the plus strand (G>C on the coding strand, the complement: TTN is on the minus strand). VCF-style: chr2-178548154-C-G. GRCh37 (hg19) VCF-style: chr2-179412881-C-G.
Other names: c.85768G>C, p.Asp28590His (NM_133378.4); c.88549G>C, p.Asp29517His (NM_001256850.1); c.66277G>C, p.Asp22093His (NM_003319.4); c.66652G>C, p.Asp22218His (NM_133432.3); c.66853G>C, p.Asp22285His (NM_133437.4); short protein forms D31158H, D28590H, D22218H, D22285H, D29517H, D22093H.
Identifiers: ClinVar variation 47533 (VCV000047533.5), dbSNP rs397517757, ClinGen allele CA141282.